The following is an entry in ClinVar:

NM_000268.4(NF2):c.447+1del

Gene: NF2 (NF2, moesin-ezrin-radixin like (MERLIN) tumor suppressor; plus strand). Cytogenetic location: 22q12.2.
Variant type: Deletion.
Coding change: c.447+1del on transcript NM_000268.4 (MANE Select); the canonical splice donor site of the intron after coding-DNA position 447, one base deleted (G; older notation c.447+1delG).
Molecular consequence: splice donor variant.
Genome position (GRCh38, 1-based): chr22:29,642,286, G deleted; the last of 2 consecutive G bases (chr22:29,642,285-29,642,286); deleting either gives the same sequence. VCF-style (leftmost placement, unchanged base first): chr22-29642284-AG-A. GRCh37 (hg19) VCF-style: chr22-30038273-AG-A.
Other names: c.198+1del (NM_001407064.1, NM_181831.3, NM_001407063.1 and 1 more transcripts); c.447+1del (NM_001407066.1, NM_181825.3, NM_016418.5 and 5 more transcripts); c.324+1del (NM_001407062.1, NM_001407058.1, NM_181829.3 and 1 more transcripts); c.321+1del (NM_181828.3, NM_001407055.1); c.333+1del (NM_001407056.1, NM_001407053.1); c.216+1del (NM_001407067.1); c.-194+1del (NM_001407065.1).
Identifiers: ClinVar variation 969640 (VCV000969640.8), dbSNP rs2065832124, ClinGen allele CA514192400.

ClinVar aggregate classification (germline): Pathogenic (1 of 4 stars; one submission).

Conditions:
Neurofibromatosis, type 2 (SWNV). Also called: BILATERAL ACOUSTIC NEUROFIBROMATOSIS; SCHWANNOMATOSIS, VESTIBULAR; NF2-Related Schwannomatosis. Identifiers: Orphanet 637, MedGen C0027832, MONDO:0007039, OMIM 101000. Disease mechanism: loss of function.

Submission:

Labcorp Genetics (formerly Invitae), Labcorp
Classification: Pathogenic for Neurofibromatosis, type 2. Last evaluated: 2019-06-04. Review status: criteria provided, single submitter. Criteria: Invitae Variant Classification Sherloc (09022015). Collection method: clinical testing. Allele origin: germline.
Comment: For these reasons, this variant has been classified as Pathogenic. Loss-of-function variants in NF2 are known to be pathogenic (PMID: 9643284, 16983642). This variant has not been reported in the literature in individuals with NF2-related conditions. This variant is not present in population databases (ExAC no frequency). This sequence change creates a premature translational stop signal (p.Lys149Asnfs*25) in the NF2 gene. It is expected to result in an absent or disrupted protein product.

Literature cited by the submitters: PubMed 9643284; PubMed 16983642.